The following is an entry in ClinVar:

ClinVar aggregate classification (germline): Uncertain significance (1 of 4 stars; one submission).

gnomAD v4.1: 1 of 1,614,140 alleles (0.000062%); highest among the groups gnomAD compares: Non-Finnish European, 0.000085%; no homozygotes.

Submission:

Labcorp Genetics (formerly Invitae), Labcorp
Classification: Uncertain significance. Last evaluated: 2022-03-14. Review status: criteria provided, single submitter. Criteria: Invitae Variant Classification Sherloc (09022015). Collection method: clinical testing. Allele origin: germline.
Comment: In summary, the available evidence is currently insufficient to determine the role of this variant in disease. Therefore, it has been classified as a Variant of Uncertain Significance. Advanced modeling of protein sequence and biophysical properties (such as structural, functional, and spatial information, amino acid conservation, physicochemical variation, residue mobility, and thermodynamic stability) performed at Invitae indicates that this missense variant is not expected to disrupt CPLANE1 protein function. This variant has not been reported in the literature in individuals affected with CPLANE1-related conditions. This variant is not present in population databases (gnomAD no frequency). This sequence change replaces valine, which is neutral and non-polar, with methionine, which is neutral and non-polar, at codon 2334 of the CPLANE1 protein (p.Val2334Met).

NM_001384732.1(CPLANE1):c.7000G>A (p.Val2334Met)

Gene: CPLANE1 (ciliogenesis and planar polarity effector complex subunit 1; minus strand). Cytogenetic location: 5p13.2.
Variant type: single nucleotide variant.
Coding change: c.7000G>A on transcript NM_001384732.1 (MANE Select); coding-DNA position 7000, G replaced by A.
Protein change: p.Val2334Met; replaces valine 2334 with methionine.
Molecular consequence: missense variant.
Genome position (GRCh38, 1-based): chr5:37,169,024, C>T on the plus strand (G>A on the coding strand, the complement: CPLANE1 is on the minus strand). VCF-style: chr5-37169024-C-T. GRCh37 (hg19) VCF-style: chr5-37169126-C-T.
Other names: c.7000G>A, p.Val2334Met (NM_023073.4); short protein forms V2334M.
Identifiers: ClinVar variation 2112214 (VCV002112214.4), dbSNP rs2547566436, ClinGen allele CA359478764.